The following is an entry in ClinVar:

NM_000051.4(ATM):c.9061G>T (p.Glu3021Ter)

Genes: ATM (ATM serine/threonine kinase; plus strand), C11orf65 (chromosome 11 open reading frame 65; minus strand). Cytogenetic location: 11q22.3.
Variant type: single nucleotide variant.
Coding change: c.9061G>T on transcript NM_000051.4 (MANE Select); coding-DNA position 9061, G replaced by T.
Protein change: p.Glu3021Ter; replaces glutamic acid 3021 with a stop codon.
Molecular consequence: nonsense. On other transcripts: intron variant (2).
Genome position (GRCh38, 1-based): chr11:108,365,398, G>T. VCF-style: chr11-108365398-G-T. GRCh37 (hg19) VCF-style: chr11-108236125-G-T.
Other names: c.9061G>T, p.Glu3021Ter (NM_001351834.2); c.640+20522C>A (NM_001330368.2); c.694+20522C>A (NM_001351110.2); short protein forms E3021*.
Identifiers: ClinVar variation 949801 (VCV000949801.14), dbSNP rs2091244384, ClinGen allele CA382531589.

ClinVar aggregate classification (germline): Pathogenic/Likely pathogenic. Review status: criteria provided, multiple submitters, no conflicts (2 of 4 stars). 5 submissions from 5 submitters: Pathogenic (3); Likely pathogenic (2). Last evaluated 2026-07-14.

Conditions:
Hereditary cancer-predisposing syndrome. Also called: Tumor predisposition; Neoplastic Syndromes, Hereditary; Hereditary neoplastic syndrome; Hereditary Cancer Syndrome. Identifiers: Orphanet 140162, MedGen C0027672, MeSH D009386, MONDO:0015356.
Hereditary breast ovarian cancer syndrome. Also called: Hereditary breast and ovarian cancer; Hereditary breast and ovarian cancer syndrome (HBOC); Hereditary breast and/or ovarian cancer syndrome; Hereditary breast and ovarian cancer syndrome; Breast and ovarian cancer; BRCA1- and BRCA2-Associated Hereditary Breast and Ovarian Cancer. Identifiers: Orphanet 145, MedGen C0677776, MeSH D061325, MONDO:0003582. Disease mechanism: loss of function.
Breast and/or ovarian cancer. Identifiers: MedGen CN221562.
Familial cancer of breast. Also called: Hereditary breast cancer; hereditary breast carcinoma; BREAST CANCER, FAMILIAL. Identifiers: Orphanet 227535, MedGen C0346153, MONDO:0016419, OMIM 114480. Disease mechanism: loss of function.
Ataxia-telangiectasia syndrome (AT). Also called: Ataxia-telangiectasia, complementation group D; AT, COMPLEMENTATION GROUP C; ATAXIA-TELANGIECTASIA, COMPLEMENTATION GROUP A; ATAXIA-TELANGIECTASIA, FRESNO VARIANT; Ataxia-telangiectasia; Ataxia telangiectasia (A-T). Identifiers: Orphanet 100, MedGen C0004135, MONDO:0008840, OMIM 208900.

Submissions (5):

German Consortium for Hereditary Breast and Ovarian Cancer, University Hospital Cologne
Classification: Pathogenic for Hereditary breast ovarian cancer syndrome. Last evaluated: 2026-07-14. Review status: criteria provided, single submitter. Criteria: ClinGen ATM V1.5.0. Collection method: curation. Allele origin: germline.
Comment: This classification follows the ClinGen ACMG ATM v1.5.0 classification scheme; We chose these criteria: PVS1 (very strong pathogenic): Nonsense Variant, not predicted to undergo NMD but truncated / altered region is critical to protein function (FATKIN domain: 2980-3047) --> PVS1_VSTR, PM2 (supporting pathogenic): absent from gnomAD v2/3/4, PM5 (supporting pathogenic): Truncating variant with premature termination codon upstream of p.Arg3047

Ambry Genetics
Classification: Likely pathogenic for Hereditary cancer-predisposing syndrome. Last evaluated: 2026-04-01. Review status: criteria provided, single submitter. Criteria: Ambry Variant Classification Scheme 2023. Collection method: clinical testing. Allele origin: germline.
Comment: The p.E3021* variant (also known as c.9061G>T), located in coding exon 62 of the ATM gene, results from a G to T substitution at nucleotide position 9061. This changes the amino acid from a glutamic acid to a stop codon within coding exon 62. This variant occurs at the 3' terminus of the gene, is not expected to trigger nonsense-mediated mRNA decay, and impacts the last 3% of the protein. However, premature stop codons are typically deleterious in nature and the impacted region is critical for protein function (Ambry internal data). This variant is considered to be rare based on population cohorts in the Genome Aggregation Database (gnomAD). Based on the majority of available evidence to date, this variant is likely to be pathogenic.

Myriad Genetics, Inc.
Classification: Pathogenic for Familial cancer of breast. Last evaluated: 2024-02-06. Review status: criteria provided, single submitter. Criteria: Myriad Autosomal Dominant, Autosomal Recessive and X-Linked Classification Criteria (2023). Collection method: clinical testing. Allele origin: unknown.
Comment: This variant is considered pathogenic. This variant creates a termination codon and is predicted to result in premature protein truncation.

Labcorp Genetics (formerly Invitae), Labcorp
Classification: Pathogenic for Ataxia-telangiectasia syndrome. Last evaluated: 2023-11-08. Review status: criteria provided, single submitter. Criteria: Invitae Variant Classification Sherloc (09022015). Collection method: clinical testing. Allele origin: germline.
Comment: This sequence change creates a premature translational stop signal (p.Glu3021*) in the ATM gene. While this is not anticipated to result in nonsense mediated decay, it is expected to disrupt the last 36 amino acid(s) of the ATM protein. This variant is not present in population databases (gnomAD no frequency). This variant has not been reported in the literature in individuals affected with ATM-related conditions. ClinVar contains an entry for this variant (Variation ID: 949801). Algorithms developed to predict the effect of sequence changes on RNA splicing suggest that this variant may disrupt the consensus splice site. This variant disrupts a region of the ATM protein in which other variant(s) (p.Phe3049Profs*13) have been determined to be pathogenic (PMID: 10817650, 16603769, 19781682). This suggests that this is a clinically significant region of the protein, and that variants that disrupt it are likely to be disease-causing. For these reasons, this variant has been classified as Pathogenic.

CHEO Genetics Diagnostic Laboratory, Children's Hospital of Eastern Ontario
Classification: Likely pathogenic for Breast and/or ovarian cancer. Last evaluated: 2022-07-27. Review status: criteria provided, single submitter. Criteria: ACMG Guidelines, 2015. Collection method: clinical testing. Allele origin: germline.

Literature cited by the submitters: PubMed 10817650 (cited by Labcorp Genetics (formerly Invitae), Labcorp); PubMed 16603769 (cited by Labcorp Genetics (formerly Invitae), Labcorp); PubMed 19781682 (cited by Labcorp Genetics (formerly Invitae), Labcorp).